The following is an entry in ClinVar:

NM_015375.3(DSTYK):c.1489_1491del (p.Arg497del)

Gene: DSTYK (dual serine/threonine and tyrosine protein kinase; minus strand). Cytogenetic location: 1q32.1.
Variant type: Deletion.
Coding change: c.1489_1491del on transcript NM_015375.3 (MANE Select); coding-DNA positions 1489 to 1491, 3 bases deleted (CGA; older notation c.1489_1491delCGA).
Protein change: p.Arg497del; deletes arginine 497.
Molecular consequence: inframe deletion.
Genome position (GRCh38, 1-based): chr1:205,163,789-205,163,791, TCG deleted on the plus strand (CGA on the coding strand, the reverse complement: DSTYK is on the minus strand); deleting any 3 consecutive bases within chr1:205,163,789-205,163,792 gives the same sequence; the c. name uses the placement nearest the transcript's 3' end. VCF-style (leftmost placement, unchanged base first): chr1-205163788-ATCG-A. GRCh37 (hg19) VCF-style: chr1-205132916-ATCG-A.
Other names: c.1489_1491del, p.Arg497del (NM_199462.3); short protein forms R497del.
Identifiers: ClinVar variation 1698174 (VCV001698174.2), dbSNP rs2102404366, ClinGen allele CA2580061925.

ClinVar aggregate classification (germline): Uncertain significance (1 of 4 stars; one submission).

Submission:

GeneDx
Classification: Uncertain significance. Last evaluated: 2022-01-21. Review status: criteria provided, single submitter. Criteria: GeneDx Variant Classification Process June 2021. Collection method: clinical testing. Allele origin: germline. Affected: yes.
Comment: In-frame deletion of 1 amino acids in a non-repeat region; In silico analysis supports a deleterious effect on protein structure/function; Not observed at significant frequency in large population cohorts (gnomAD); Has not been previously published as pathogenic or benign to our knowledge